The following is an entry in ClinVar:

NM_003079.5(SMARCE1):c.1174A>G (p.Asn392Asp)

Gene: SMARCE1 (SWI/SNF related BAF chromatin remodeling complex subunit E1; minus strand). Cytogenetic location: 17q21.2.
Variant type: single nucleotide variant.
Coding change: c.1174A>G on transcript NM_003079.5 (MANE Select); coding-DNA position 1174, A replaced by G.
Protein change: p.Asn392Asp; replaces asparagine 392 with aspartic acid.
Molecular consequence: missense variant.
Genome position (GRCh38, 1-based): chr17:40,628,847, T>C on the plus strand (A>G on the coding strand, the complement: SMARCE1 is on the minus strand). VCF-style: chr17-40628847-T-C. GRCh37 (hg19) VCF-style: chr17-38785099-T-C.
Other names: short protein forms N392D.
Identifiers: ClinVar variation 1037713 (VCV001037713.8), dbSNP rs2037060809, ClinGen allele CA399361012.

ClinVar aggregate classification (germline): Uncertain significance (1 of 4 stars; one submission).

Conditions:
Familial meningioma. Also called: Meningioma, familial, susceptibility to. Identifiers: Orphanet 263662, MedGen C3551915, MONDO:0011789, OMIM 607174.

Submission:

Labcorp Genetics (formerly Invitae), Labcorp
Classification: Uncertain significance for Familial meningioma. Last evaluated: 2022-08-23. Review status: criteria provided, single submitter. Criteria: Invitae Variant Classification Sherloc (09022015). Collection method: clinical testing. Allele origin: germline.
Comment: Algorithms developed to predict the effect of missense changes on protein structure and function (SIFT, PolyPhen-2, Align-GVGD) all suggest that this variant is likely to be tolerated. ClinVar contains an entry for this variant (Variation ID: 1037713). This variant has not been reported in the literature in individuals affected with SMARCE1-related conditions. This variant is not present in population databases (gnomAD no frequency). This sequence change replaces asparagine, which is neutral and polar, with aspartic acid, which is acidic and polar, at codon 392 of the SMARCE1 protein (p.Asn392Asp). In summary, the available evidence is currently insufficient to determine the role of this variant in disease. Therefore, it has been classified as a Variant of Uncertain Significance.